The following is an entry in ClinVar:

ClinVar aggregate classification (germline): Pathogenic. Review status: criteria provided, multiple submitters, no conflicts (2 of 4 stars). 19 submissions from 19 submitters: Pathogenic (16). 3 of the submissions do not count toward it. Last evaluated 2026-10-07.

Conditions:
RSPH1-related disorder. Also called: RSPH1-related condition.
Primary ciliary dyskinesia 24 (CILD24). Also called: CILIARY DYSKINESIA, PRIMARY, 24, WITHOUT SITUS INVERSUS. Identifiers: Orphanet 244, MedGen C3809634, MONDO:0014202, OMIM 615481.
Primary ciliary dyskinesia. Also called: Ciliary dyskinesia. Identifiers: Orphanet 244, MedGen C0008780, MONDO:0016575, HP:0012265.
Kartagener syndrome (CILD1). Also called: CILIARY DYSKINESIA, PRIMARY, 1, WITH OR WITHOUT SITUS INVERSUS; IMMOTILE CILIA SYNDROME; POLYNESIAN BRONCHIECTASIS; CILIARY DYSKINESIA, PRIMARY, 1; SIEWERT SYNDROME; Dextrocardia bronchiectasis and sinusitis. Identifiers: Orphanet 244, MedGen C4551906, MONDO:0009484, OMIM 244400.

Allele frequency attached by ClinVar (database versions not stated): gnomAD 0.00042 and 0.00048; ESP Exome Variant Server 0.00069; ExAC 0.00036; gnomAD exomes 0.00037 and 0.00072; TOPMed 0.00049.
gnomAD v4.1: 1,135 of 1,611,742 alleles (0.07%); highest among the groups gnomAD compares: Non-Finnish European, 0.088%; 1 homozygote.

Submissions (21):

Clinical Genetics Laboratory, Skane University Hospital Lund
Classification: Pathogenic for Primary ciliary dyskinesia. Last evaluated: 2026-10-07. Review status: criteria provided, single submitter. Criteria: ACMG Guidelines, 2015. Collection method: clinical testing. Allele origin: germline. Affected: yes.
Comment: RSPH1 (NM_080860.4) c.275-2A>C, p.? represents a nucleotide substitution in intron 3 of 8, which is predicted to result in aberrant splicing of exon 4 of 9, leading to a frameshift with a premature stop codon and consequently a truncated protein or loss of protein expression from the affected allele. The RSPH1 c.275-2A>C variant has previously been identified in one homozygous individual in the general population and has been described in the literature (PMID: 23993197, 24568568, 24518672, among others). It is also reported as pathogenic in the ClinVar database (Accession: VCV000066990.39). This variant has been classified as pathogenic according to the ACMG/AMP guidelines based on the following criteria: PVS1, PM2_Supporting, and PM3.

CeGaT Center for Human Genetics Tuebingen
Classification: Pathogenic. Last evaluated: 2026-09-01. Review status: criteria provided, single submitter. Criteria: CeGaT Center For Human Genetics Tuebingen Variant Classification Criteria Version 2. Collection method: clinical testing. Allele origin: germline. Affected: yes. Observed: 2 variant alleles.
Comment: RSPH1: PM3:Very Strong, PVS1, PM2

PreventionGenetics, part of Exact Sciences
Classification: Pathogenic for RSPH1-related condition. Last evaluated: 2026-08-19. Review status: criteria provided, single submitter. Criteria: ACMG Guidelines, 2015. Collection method: clinical testing. Allele origin: germline.
Comment: The RSPH1 c.275-2A>C variant is predicted to disrupt the AG splice acceptor site and interfere with normal splicing. This variant has been reported in the homozygous state and compound heterozygous state in multiple unrelated individuals affected with primary ciliary dyskinesia (PCD) (Kott et al. 2013. PubMed ID: 23993197; Knowles et al. 2014. PubMed ID: 24568568; Onoufriadis et al. 2014. PubMed ID: 24518672). In vitro RT-PCR analysis showed that the c.275-2A>C variant leads to the skipping of either exons 4-5 or exons 4-6, resulting in a frameshift and premature protein termination (Kott et al. 2013. PubMed ID: 23993197; Knowles et al. 2014. PubMed ID: 24568568). This variant is reported in 0.067% of alleles in individuals of European (Non-Finnish) descent in gnomAD. Variants that disrupt the consensus splice acceptor site in RSPH1 are expected to be pathogenic. This variant is interpreted as pathogenic.

Dasa
Classification: Pathogenic. Last evaluated: 2026-01-27. Review status: criteria provided, single submitter. Criteria: DASA Assertion Criteria. Collection method: clinical testing. Allele origin: germline.
Comment: NM_080860.4(RSPH1):c.275-2A>C affects a canonical splice site and is predicted to disrupt normal RNA splicing, leading to loss of normal protein function. Loss-of-function is an established mechanism of disease for this gene. This variant has been recurrently observed in affected individuals with related phenotype in a genotype context consistent with recessive disease (PMID: 24568568; PMID: 24518672). Segregation evidence has been reported in affected families. The variant is present at low frequency in population datasets. Based on the available data, this variant is classified as pathogenic.

Labcorp Genetics (formerly Invitae), Labcorp
Classification: Pathogenic for Primary ciliary dyskinesia. Last evaluated: 2026-01-26. Review status: criteria provided, single submitter. Criteria: Invitae Variant Classification Sherloc (09022015). Collection method: clinical testing. Allele origin: germline.
Comment: This sequence change affects an acceptor splice site in intron 3 of the RSPH1 gene. RNA analysis indicates that disruption of this splice site induces altered splicing and may result in an absent or altered protein product. This variant is present in population databases (rs151107532, gnomAD 0.07%). Disruption of this splice site has been observed in individuals with primary ciliary dyskinesia, many of whom were homozygous for this variant (PMID: 23993197, 24518672, 24568568). ClinVar contains an entry for this variant (Variation ID: 66990). Studies have shown that disruption of this splice site results in skipping of exons 4-5 or exons 4-6, and produces a non-functional protein and/or introduces a premature termination codon (PMID: 23993197, 24568568). For these reasons, this variant has been classified as Pathogenic.

Department of Human Genetics, Hannover Medical School
Classification: Pathogenic for Primary ciliary dyskinesia 24. Last evaluated: 2025-03-27. Review status: criteria provided, single submitter. Criteria: ACMG Guidelines, 2015. Collection method: clinical testing. Allele origin: germline. Inheritance: Autosomal recessive inheritance. Affected: yes.
Comment: ACMG: PVS1, PM2_Supporting, PM3

Blueprint Genetics
Classification: Pathogenic for RSPH1-related disorders. Last evaluated: 2024-11-25. Review status: criteria provided, single submitter. Criteria: ACMG Guidelines, 2015. Collection method: clinical testing. Allele origin: germline. Affected: yes. Observed: 5 variant alleles.

ARUP Laboratories, Molecular Genetics and Genomics, ARUP Laboratories
Classification: Pathogenic for Primary ciliary dyskinesia 24. Last evaluated: 2024-10-31. Review status: criteria provided, single submitter. Criteria: ARUP Molecular Germline Variant Investigation Process 2024. Collection method: clinical testing. Allele origin: germline.
Comment: The RSPH1 c.275-2A>C variant (rs151107532) is reported in the literature in numerous homozygous or compound heterozygous individuals affected with primary ciliary dyskinesia (Fassad 2020, Kott 2013, Onoufriadis 2014, Tinoco 2023). This variant is found in the non-Finnish European population with an allele frequency of 0.067% (87/129,160 alleles) in the Genome Aggregation Database (v2.1.1). This variant disrupts the canonical splice acceptor site of intron 3, which is likely to negatively impact gene function. Consistent with this, functional studies show this variant leads to exon skipping and is associated with reduced protein expression (Kott 2013, Onoufriadis 2014). Based on available information, this variant is considered to be pathogenic. References: Fassad MR et al. Clinical utility of NGS diagnosis and disease stratification in a multiethnic primary ciliary dyskinesia cohort. J Med Genet. 2020 May;57(5):322-330. PMID: 31879361. Kott E et al. Loss-of-function mutations in RSPH1 cause primary ciliary dyskinesia with central-complex and radial-spoke defects. Am J Hum Genet. 2013 Sep 5;93(3):561-70. PMID: 23993197. Onoufriadis A et al. Targeted NGS gene panel identifies mutations in RSPH1 causing primary ciliary dyskinesia and a common mechanism for ciliary central pair agenesis due to radial spoke defects. Hum Mol Genet. 2014 Jul 1;23(13):3362-74. PMID: 24518672. Tinoco EM et al. Primary Ciliary Dyskinesia in a Portuguese Bronchiectasis Outpatient Clinic. Genes (Basel). 2023 Feb 21;14(3):541. PMID: 36980814.

Fulgent Genetics
Classification: Pathogenic for Primary ciliary dyskinesia 24. Last evaluated: 2024-04-24. Review status: criteria provided, single submitter. Criteria: ACMG Guidelines, 2015. Collection method: clinical testing. Allele origin: germline.

GeneDx
Classification: Pathogenic. Last evaluated: 2023-10-30. Review status: criteria provided, single submitter. Criteria: GeneDx Variant Classification Process June 2021. Collection method: clinical testing. Allele origin: germline. Affected: yes.
Comment: This variant is associated with the following publications: (PMID: 34670123, 34758253, 31772028, 31879361, 31980526, 32253119, 35728977, 28793908, 25186273, 24568568, 23993197, 24518672, 36980814)

Johns Hopkins Genomics, Johns Hopkins University
Classification: Pathogenic for Primary ciliary dyskinesia 24. Last evaluated: 2022-09-20. Review status: criteria provided, single submitter. Criteria: ACMG Guidelines, 2015. Collection method: clinical testing. Allele origin: germline.
Comment: This RSPH1 canonical splice variant has been reported in the homozygous or compound heterozygous state in individuals and families with primary ciliary dyskinesia. The variant (rs151107532) is rare (<0.1%) in a large population dataset (gnomAD v3.1.2: 67/152098 total alleles; 0.044%; no homozygotes). It has been reported in ClinVar (Variation ID 66990). This variant destroys a canonical splice acceptor site, is predicted to cause abnormal gene splicing, and has supporting functional evidence. We consider c.275-2A>C in RSPH1 to be pathogenic.

Department of Pathology and Laboratory Medicine, Sinai Health System
Classification: Pathogenic for Primary ciliary dyskinesia 24. Last evaluated: 2021-09-23. Review status: criteria provided, single submitter. Criteria: ACMG Guidelines, 2015. Collection method: research. Allele origin: germline.

Revvity Omics, Revvity
Classification: Pathogenic for Primary ciliary dyskinesia 24. Last evaluated: 2020-11-06. Review status: criteria provided, single submitter. Criteria: ACMG Guidelines, 2015. Collection method: clinical testing. Allele origin: germline.

Eurofins Ntd Llc (ga)
Classification: Pathogenic. Last evaluated: 2018-06-18. Review status: criteria provided, single submitter. Criteria: EGL ClinVar v180209 classification definitions. Collection method: clinical testing. Allele origin: germline. Observed: 3 variant alleles, 3 heterozygotes.

Clinical Genetics Service, Universitary Hospital 12 de Octubre
Classification: Pathogenic for Primary ciliary dyskinesia 24. Review status: criteria provided, single submitter. Criteria: ACMG Guidelines, 2015. Collection method: clinical testing. Allele origin: germline. Affected: yes.

Equipe Genetique des Anomalies du Developpement, Université de Bourgogne
Classification: Pathogenic for Primary ciliary dyskinesia. Review status: criteria provided, single submitter. Criteria: ACMG Guidelines, 2015. Collection method: clinical testing. Allele origin: inherited. Affected: yes.

OMIM
Classification: Pathogenic for CILIARY DYSKINESIA, PRIMARY, 24, WITHOUT SITUS INVERSUS. Last evaluated: 2013-09-05. Review status: no assertion criteria provided. Collection method: literature only. Allele origin: germline. Not counted in ClinVar's aggregate classification.

Dr. Peter K. Rogan Lab, Western University
No classification provided (evidence only). Condition: Familial cancer of breast. Review status: no classification provided. Collection method: in vitro. Allele origin: not applicable. Functional consequence: retained intron. Not counted in ClinVar's aggregate classification.

Dr. Peter K. Rogan Lab, Western University
No classification provided (evidence only). Condition: Ovarian serous cystadenocarcinoma. Review status: no classification provided. Collection method: in vitro. Allele origin: not applicable. Functional consequence: retained intron. Not counted in ClinVar's aggregate classification.

GeneReviews
No classification provided. Condition: Kartagener syndrome. Review status: no classification provided. Collection method: literature only. Allele origin: germline. Affected: yes. Not counted in ClinVar's aggregate classification.

Genomics England Pilot Project, Genomics England
Classification: Likely pathogenic for Primary ciliary dyskinesia 24. Review status: no assertion criteria provided. Criteria: ACGS Guidelines, 2016. Collection method: clinical testing. Allele origin: germline. Affected: yes. Not counted in ClinVar's aggregate classification.

Literature cited by the submitters: PubMed 24568568 (cited by 4 submitters); PubMed 24518672 (cited by 3 submitters); PubMed 23993197 (cited by 3 submitters); PubMed 25789548 (cited by Johns Hopkins Genomics, Johns Hopkins University); NCBI Bookshelf NBK1122 (cited by GeneReviews).

NM_080860.4(RSPH1):c.275-2A>C

Gene: RSPH1 (radial spoke head component 1; minus strand). Cytogenetic location: 21q22.3.
Variant type: single nucleotide variant.
Coding change: c.275-2A>C on transcript NM_080860.4 (MANE Select); the canonical splice acceptor site of the intron before coding-DNA position 275, A replaced by C.
Molecular consequence: splice acceptor variant.
Genome position (GRCh38, 1-based): chr21:42,486,463, T>G on the plus strand (A>C on the coding strand, the complement: RSPH1 is on the minus strand). VCF-style: chr21-42486463-T-G. GRCh37 (hg19) VCF-style: chr21-43906573-T-G.
Other names: IVS3AS, A-C, -2 (rs151107532); c.161-2A>C (NM_001286506.2).
Identifiers: ClinVar variation 66990 (VCV000066990.42), dbSNP rs151107532, ClinGen allele CA144911.